The following is an entry in ClinVar:

NM_000089.4(COL1A2):c.1684G>A (p.Gly562Ser)

Gene: COL1A2 (collagen type I alpha 2 chain; plus strand). Cytogenetic location: 7q21.3.
Variant type: single nucleotide variant.
Coding change: c.1684G>A on transcript NM_000089.4 (MANE Select); coding-DNA position 1684, G replaced by A.
Protein change: p.Gly562Ser; replaces glycine 562 with serine.
Molecular consequence: missense variant.
Genome position (GRCh38, 1-based): chr7:94,414,240, G>A. VCF-style: chr7-94414240-G-A. GRCh37 (hg19) VCF-style: chr7-94043552-G-A.
Other names: short protein forms G562S.
Identifiers: ClinVar variation 4075345 (VCV004075345.1).

ClinVar aggregate classification (germline): Pathogenic (1 of 4 stars; one submission).

Conditions:
Osteogenesis imperfecta with normal sclerae, dominant form (OI4). Also called: Common Variable Osteogenesis Imperfecta with Normal Sclerae; OSTEOGENESIS IMPERFECTA, TYPE IV, WITH DENTINOGENESIS IMPERFECTA; Osteogenesis Imperfecta Type IV; OSTEOGENESIS IMPERFECTA WITH NORMAL SCLERAE; Osteogenesis imperfecta type 4. Identifiers: Orphanet 216820, Orphanet 666, MedGen C0268363, MONDO:0008148, OMIM 166220.

Submission:

Clinical Biomedical Laboratory, Shriners Hospital For Children - Canada
Classification: Pathogenic for Osteogenesis imperfecta with normal sclerae, dominant form. Last evaluated: 2025-07-16. Review status: criteria provided, single submitter. Criteria: ACMG Guidelines, 2015. Collection method: clinical testing. Allele origin: germline. Affected: yes.
Comment: This variant is predicted to substitute a glycine residue by a serine residue in the triple helical domain of the collagen type I alpha 2 chain. Glycine substitutions in the triple helical domain of collagen cause disruption in the formation of the triple helix in the collagen type I molecule and are a typical cause of osteogenesis imperfecta. The variant is absent from the Genome Aggregation Database v2.1.1, indicating this variant is very rare. Prediction tools (REVEL: 0.96) suggest that the change is damaging to protein function.